The following is an entry in ClinVar:

NM_001160372.4(TRAPPC9):c.140G>A (p.Arg47Gln)

Gene: TRAPPC9 (trafficking protein particle complex subunit 9; minus strand). Cytogenetic location: 8q24.3.
Variant type: single nucleotide variant.
Coding change: c.140G>A on transcript NM_001160372.4 (MANE Select); coding-DNA position 140, G replaced by A.
Protein change: p.Arg47Gln; replaces arginine 47 with glutamine.
Molecular consequence: missense variant. On other transcripts: non-coding transcript variant (1).
Genome position (GRCh38, 1-based): chr8:140,451,234, C>T on the plus strand (G>A on the coding strand, the complement: TRAPPC9 is on the minus strand). VCF-style: chr8-140451234-C-T. GRCh37 (hg19) VCF-style: chr8-141461333-C-T.
Other names: c.140G>A, p.Arg47Gln (NM_001321646.2, NM_001374682.1, NM_001374683.1 and 2 more transcripts); short protein forms R47Q.
Identifiers: ClinVar variation 362094 (VCV000362094.23), dbSNP rs147182402, ClinGen allele CA4893790.

ClinVar aggregate classification (germline): Uncertain significance. Review status: criteria provided, multiple submitters, no conflicts (2 of 4 stars). 8 submissions from 8 submitters: Uncertain significance (8). Last evaluated 2023-02-16.

Conditions:
Intellectual developmental disorder, autosomal recessive 13. Also called: Intellectual disability, autosomal recessive 13. Identifiers: Orphanet 88616, MedGen C2750791, MONDO:0013173, OMIM 613192.
Inborn genetic diseases. Identifiers: MedGen C0950123, MeSH D030342.

Allele frequency attached by ClinVar (database versions not stated): gnomAD exomes 0.00037 and 0.00033; 1000 Genomes Project 30x 0.00016; gnomAD 0.00024 and 0.00026; 1000 Genomes Project 0.00020; ExAC 0.00041; TOPMed 0.00026; ESP Exome Variant Server 0.00054.
gnomAD v4.1: 598 of 1,613,914 alleles (0.037%); highest among the groups gnomAD compares: Middle Eastern, 1.1%; 1 homozygote.

Submissions (8):

Ambry Genetics
Classification: Uncertain significance for Inborn genetic diseases. Last evaluated: 2023-02-16. Review status: criteria provided, single submitter. Criteria: Ambry Variant Classification Scheme 2023. Collection method: clinical testing. Allele origin: germline.

Department of Pathology and Laboratory Medicine, Sinai Health System
Classification: Uncertain significance for Intellectual developmental disorder, autosomal recessive 13. Last evaluated: 2023-01-25. Review status: criteria provided, single submitter. Criteria: ACMG Guidelines, 2015. Collection method: research. Allele origin: germline.

Labcorp Genetics (formerly Invitae), Labcorp
Classification: Uncertain significance. Last evaluated: 2022-11-01. Review status: criteria provided, single submitter. Criteria: Invitae Variant Classification Sherloc (09022015). Collection method: clinical testing. Allele origin: germline.
Comment: This sequence change replaces arginine, which is basic and polar, with glutamine, which is neutral and polar, at codon 145 of the TRAPPC9 protein (p.Arg145Gln). This variant is present in population databases (rs147182402, gnomAD 0.05%). This variant has not been reported in the literature in individuals affected with TRAPPC9-related conditions. ClinVar contains an entry for this variant (Variation ID: 362094). Algorithms developed to predict the effect of missense changes on protein structure and function are either unavailable or do not agree on the potential impact of this missense change (SIFT: "Not Available"; PolyPhen-2: "Probably Damaging"; Align-GVGD: "Not Available"). In summary, the available evidence is currently insufficient to determine the role of this variant in disease. Therefore, it has been classified as a Variant of Uncertain Significance.

New York Genome Center
Classification: Uncertain significance for Intellectual developmental disorder, autosomal recessive 13. Last evaluated: 2021-04-25. Review status: criteria provided, single submitter. Criteria: NYGC Assertion Criteria 2020. Collection method: clinical testing. Allele origin: inherited. Observed: 1 heterozygote. Study: CSER-NYCKidSeq.

Baylor Genetics
Classification: Uncertain significance for Intellectual developmental disorder, autosomal recessive 13. Last evaluated: 2020-01-14. Review status: criteria provided, single submitter. Criteria: ACMG Guidelines, 2015. Collection method: clinical testing. Allele origin: unknown. Affected: yes.
Comment: This variant was determined to be of uncertain significance according to ACMG Guidelines, 2015 [PMID:25741868].

Fulgent Genetics
Classification: Uncertain significance for Intellectual developmental disorder, autosomal recessive 13. Last evaluated: 2018-10-31. Review status: criteria provided, single submitter. Criteria: ACMG Guidelines, 2015. Collection method: clinical testing. Allele origin: unknown.

Genetic Services Laboratory, University of Chicago
Classification: Uncertain significance. Last evaluated: 2016-05-09. Review status: criteria provided, single submitter. Criteria: ACMG Guidelines, 2015. Collection method: clinical testing. Allele origin: germline. Affected: no.

Breakthrough Genomics
Classification: Uncertain significance. Review status: criteria provided, single submitter. Criteria: ACMG Guidelines, 2015. Collection method: not provided. Allele origin: germline. Inheritance: Autosomal recessive inheritance. Affected: yes.